The following is an entry in ClinVar:

ClinVar aggregate classification (germline): Uncertain significance (1 of 4 stars; one submission).

Conditions:
Hyperaldosteronism, familial, type IV (HALD4). Also called: FH IV; ALDOSTERONISM, PRIMARY, AND HYPERTENSION. Identifiers: Orphanet 642671, MedGen C4310756, MONDO:0014875, OMIM 617027.
Idiopathic generalized epilepsy. Also called: EIG; Generalised epilepsy. Identifiers: MedGen C0270850, MONDO:0005579, OMIM 600669.

Allele frequency attached by ClinVar (database versions not stated): gnomAD exomes below 0.00001.
gnomAD v4.1: 3 of 1,554,266 alleles (0.00019%); highest among the groups gnomAD compares: South Asian, 0.0012%; no homozygotes.

Submission:

Labcorp Genetics (formerly Invitae), Labcorp
Classification: Uncertain significance for Idiopathic generalized epilepsy; Hyperaldosteronism, familial, type IV. Last evaluated: 2019-07-05. Review status: criteria provided, single submitter. Criteria: Invitae Variant Classification Sherloc (09022015). Collection method: clinical testing. Allele origin: germline.
Comment: This sequence change replaces lysine with glutamic acid at codon 1918 of the CACNA1H protein (p.Lys1918Glu). The lysine residue is highly conserved and there is a small physicochemical difference between lysine and glutamic acid. This variant is not present in population databases (ExAC no frequency). This variant has not been reported in the literature in individuals with CACNA1H-related disease. Algorithms developed to predict the effect of missense changes on protein structure and function do not agree on the potential impact of this missense change (SIFT: "Deleterious"; PolyPhen-2: "Probably Damaging"; Align-GVGD: "Class C0"). In summary, the available evidence is currently insufficient to determine the role of this variant in disease. Therefore, it has been classified as a Variant of Uncertain Significance.

NM_021098.3(CACNA1H):c.5752A>G (p.Lys1918Glu)

Gene: CACNA1H (calcium voltage-gated channel subunit alpha1 H; plus strand). Cytogenetic location: 16p13.3.
Variant type: single nucleotide variant.
Coding change: c.5752A>G on transcript NM_021098.3 (MANE Select); coding-DNA position 5752, A replaced by G.
Protein change: p.Lys1918Glu; replaces lysine 1918 with glutamic acid.
Molecular consequence: missense variant.
Genome position (GRCh38, 1-based): chr16:1,218,516, A>G. VCF-style: chr16-1218516-A-G. GRCh37 (hg19) VCF-style: chr16-1268516-A-G.
Other names: c.5734A>G, p.Lys1912Glu (NM_001005407.2); short protein forms K1918E, K1912E.
Identifiers: ClinVar variation 580123 (VCV000580123.2), dbSNP rs1555520320, ClinGen allele CA394147822.